The following is an entry in ClinVar:

NM_000059.4(BRCA2):c.6814A>G (p.Arg2272Gly)

Gene: BRCA2 (BRCA2 DNA repair associated; plus strand). Cytogenetic location: 13q13.1.
Variant type: single nucleotide variant.
Coding change: c.6814A>G on transcript NM_000059.4 (MANE Select); coding-DNA position 6814, A replaced by G.
Protein change: p.Arg2272Gly; replaces arginine 2272 with glycine.
Molecular consequence: missense variant.
Genome position (GRCh38, 1-based): chr13:32,341,169, A>G. VCF-style: chr13-32341169-A-G. GRCh37 (hg19) VCF-style: chr13-32915306-A-G.
Other names: c.6814A>G, p.Arg2272Gly (NM_001406719.1, NM_001406720.1); short protein forms R2272G.
Identifiers: ClinVar variation 1755590 (VCV001755590.4), dbSNP rs2137530879, ClinGen allele CA387791406.

ClinVar aggregate classification (germline): Conflicting classifications of pathogenicity. Review status: criteria provided, conflicting classifications (1 of 4 stars). 2 submissions from 2 submitters: Uncertain significance (1); Likely benign (1). Last evaluated 2023-03-23.

Conditions:
Hereditary cancer-predisposing syndrome. Also called: Neoplastic Syndromes, Hereditary; Tumor predisposition; Hereditary Cancer Syndrome; Hereditary neoplastic syndrome. Identifiers: Orphanet 140162, MedGen C0027672, MeSH D009386, MONDO:0015356.

Submissions (2):

University of Washington Department of Laboratory Medicine, University of Washington
Classification: Likely benign for Hereditary cancer-predisposing syndrome. Last evaluated: 2023-03-23. Review status: criteria provided, single submitter. Criteria: Dines et al. (Genet Med. 2020). Collection method: curation. Allele origin: germline.
Comment: Missense variant in a coldspot region where missense variants are very unlikely to be pathogenic (PMID:31911673).

BRCA2 exon 11 coldspot. Reclassification based on statistical prior probability.

Ambry Genetics
Classification: Uncertain significance for Hereditary cancer-predisposing syndrome. Last evaluated: 2021-07-26. Review status: criteria provided, single submitter. Criteria: Ambry Variant Classification Scheme 2023. Collection method: clinical testing. Allele origin: germline.
Comment: The p.R2272G variant (also known as c.6814A>G), located in coding exon 10 of the BRCA2 gene, results from an A to G substitution at nucleotide position 6814. The arginine at codon 2272 is replaced by glycine, an amino acid with dissimilar properties. This amino acid position is highly conserved in available vertebrate species. In addition, the in silico prediction for this alteration is inconclusive. Since supporting evidence is limited at this time, the clinical significance of this alteration remains unclear.